The following is an entry in ClinVar:

NM_007294.4(BRCA1):c.3388T>C (p.Ser1130Pro)

Genes: BRCA1 (BRCA1 DNA repair associated; minus strand), LOC126862571 (BRD4-independent group 4 enhancer GRCh37_chr17:41243136-41244335; plus strand). Cytogenetic location: 17q21.31.
Variant type: single nucleotide variant.
Coding change: c.3388T>C on transcript NM_007294.4 (MANE Select); coding-DNA position 3388, T replaced by C.
Protein change: p.Ser1130Pro; replaces serine 1130 with proline.
Molecular consequence: missense variant. On other transcripts: intron variant (137).
Genome position (GRCh38, 1-based): chr17:43,092,143, A>G on the plus strand (T>C on the coding strand, the complement: BRCA1 is on the minus strand). VCF-style: chr17-43092143-A-G. GRCh37 (hg19) VCF-style: chr17-41244160-A-G.
Other names: c.3175T>C, p.Ser1059Pro (NM_001407571.1, NM_001407853.1, NM_001407894.1 and 9 more transcripts); c.3388T>C, p.Ser1130Pro (NM_001407581.1, NM_001407582.1, NM_001407583.1 and 30 more transcripts); c.3385T>C, p.Ser1129Pro (NM_001407587.1, NM_001407590.1, NM_001407591.1 and 22 more transcripts); c.3379T>C, p.Ser1127Pro (NM_001407646.1, NM_001407647.1); c.3265T>C, p.Ser1089Pro (NM_001407648.1, NM_001407664.1, NM_001407665.1 and 19 more transcripts); c.3262T>C, p.Ser1088Pro (NM_001407649.1, NM_001407670.1, NM_001407671.1 and 11 more transcripts); c.3310T>C, p.Ser1104Pro (NM_001407653.1, NM_001407654.1, NM_001407655.1 and 4 more transcripts); c.3307T>C, p.Ser1103Pro (NM_001407659.1, NM_001407660.1, NM_001407661.1 and 1 more transcripts); and 41 more; short protein forms S1083P, S1130P, S1019P, S1041P, S1060P, S1062P, S1089P, S962P.
Identifiers: ClinVar variation 1309096 (VCV001309096.5), dbSNP rs2154320882, ClinGen allele CA10595201.
Genomic context (GRCh38, chr17:43,092,143, plus strand): 5'-GTGTCTCAGAACAAACCTGAGATGCATGACTACTTCCCATAGGCTGTTCTAAGTTATCTG[A>G]AATCAGATATGGAGAGAAATCTGTATTAACAGTCTGAACTACTTCTTCATATTCTTGCTT-3'
Protein context (NP_009225.1, residues 1120-1140): VNTDFSPYLI[Ser1130Pro]DNLEQPMGSS

ClinVar aggregate classification (germline): Conflicting classifications of pathogenicity. Review status: criteria provided, conflicting classifications (1 of 4 stars). 2 submissions from 2 submitters: Uncertain significance (1); Likely benign (1). Last evaluated 2023-03-23.

Conditions:
Hereditary cancer-predisposing syndrome. Also called: Tumor predisposition; Neoplastic Syndromes, Hereditary; Hereditary Cancer Syndrome; Hereditary neoplastic syndrome. Identifiers: Orphanet 140162, MedGen C0027672, MeSH D009386, MONDO:0015356.

Submissions (2):

University of Washington Department of Laboratory Medicine, University of Washington
Classification: Likely benign for Hereditary cancer-predisposing syndrome. Last evaluated: 2023-03-23. Review status: criteria provided, single submitter. Criteria: Dines et al. (Genet Med. 2020). Collection method: curation. Allele origin: germline.
Comment: Missense variant in a coldspot region where missense variants are very unlikely to be pathogenic (PMID:31911673).

BRCA1 coldspot (exon 11 using historical exon numbering). Reclassification based on statistical prior probability

GeneDx
Classification: Uncertain significance. Last evaluated: 2019-09-30. Review status: criteria provided, single submitter. Criteria: GeneDx Variant Classification Process June 2021. Collection method: clinical testing. Allele origin: germline. Affected: yes.
Comment: Has not been previously published as pathogenic or benign to our knowledge; Not observed in large population cohorts (Lek 2016); In silico analysis, which includes protein predictors and evolutionary conservation, supports a deleterious effect; Also known as BRCA1 c.3507T>C